The following is an entry in ClinVar:

ClinVar aggregate classification (germline): Uncertain significance. Review status: criteria provided, multiple submitters, no conflicts (2 of 4 stars). 2 submissions from 2 submitters: Uncertain significance (2). Last evaluated 2025-06-12.

Conditions:
Autosomal dominant nonsyndromic hearing loss 6 (LFSNHL). Also called: DEAFNESS, AUTOSOMAL DOMINANT 6; DEAFNESS, AUTOSOMAL DOMINANT 14; DEAFNESS, AUTOSOMAL DOMINANT 38; Autosomal dominant nonsyndromic deafness 6. Identifiers: Orphanet 90635, MedGen C1833021, MONDO:0010963, OMIM 600965.
Type 2 diabetes mellitus. Also called: Type II diabetes mellitus. Identifiers: MedGen C0011860, MeSH D003924, MONDO:0005148, OMIM 125853, HP:0005978.
Wolfram syndrome 1 (WFS1). Identifiers: Orphanet 3463, MedGen C4551693, MONDO:0009101, OMIM 222300.
Wolfram-like syndrome. Also called: HEARING LOSS, PROGRESSIVE, WITH OPTIC ATROPHY AND/OR IMPAIRED GLUCOSE REGULATION. Identifiers: Orphanet 411590, MedGen C3280358, MONDO:0013673, OMIM 614296.
Cataract 41 (CTRCT41). Also called: CATARACT 41, CONGENITAL NUCLEAR TYPE. Identifiers: Orphanet 91492, Orphanet 98991, Orphanet 98992, Orphanet 98995, MedGen C3805412, MONDO:0007287, OMIM 116400.

Allele frequency attached by ClinVar (database versions not stated): gnomAD exomes 0.00001 and 0.00004; ExAC 0.00006; ESP Exome Variant Server 0.00023; 1000 Genomes Project 0.00040; 1000 Genomes Project 30x 0.00047.
gnomAD v4.1: 27 of 1,613,886 alleles (0.0017%); highest among the groups gnomAD compares: African/African-American, 0.036%; no homozygotes.

Submissions (2):

Labcorp Genetics (formerly Invitae), Labcorp
Classification: Uncertain significance. Last evaluated: 2025-06-12. Review status: criteria provided, single submitter. Criteria: Invitae Variant Classification Sherloc (09022015). Collection method: clinical testing. Allele origin: germline.
Comment: This sequence change replaces histidine, which is basic and polar, with arginine, which is basic and polar, at codon 407 of the WFS1 protein (p.His407Arg). This variant is present in population databases (rs140407862, gnomAD 0.05%). This variant has not been reported in the literature in individuals affected with WFS1-related conditions. ClinVar contains an entry for this variant (Variation ID: 1519577). Invitae Evidence Modeling of protein sequence and biophysical properties (such as structural, functional, and spatial information, amino acid conservation, physicochemical variation, residue mobility, and thermodynamic stability) has been performed for this missense variant. However, the output from this modeling did not meet the statistical confidence thresholds required to predict the impact of this variant on WFS1 protein function. In summary, the available evidence is currently insufficient to determine the role of this variant in disease. Therefore, it has been classified as a Variant of Uncertain Significance.

Fulgent Genetics
Classification: Uncertain significance for Cataract 41; Type 2 diabetes mellitus; Wolfram syndrome 1; Autosomal dominant nonsyndromic hearing loss 6; Wolfram-like syndrome. Last evaluated: 2024-02-13. Review status: criteria provided, single submitter. Criteria: ACMG Guidelines, 2015. Collection method: clinical testing. Allele origin: germline.

NM_006005.3(WFS1):c.1220A>G (p.His407Arg)

Gene: WFS1 (wolframin ER transmembrane glycoprotein; plus strand). Cytogenetic location: 4p16.1.
Variant type: single nucleotide variant.
Coding change: c.1220A>G on transcript NM_006005.3 (MANE Select); coding-DNA position 1220, A replaced by G.
Protein change: p.His407Arg; replaces histidine 407 with arginine.
Molecular consequence: missense variant.
Genome position (GRCh38, 1-based): chr4:6,301,015, A>G. VCF-style: chr4-6301015-A-G. GRCh37 (hg19) VCF-style: chr4-6302742-A-G.
Other names: c.1220A>G, p.His407Arg (NM_001145853.1); short protein forms H407R.
Identifiers: ClinVar variation 1519577 (VCV001519577.10), dbSNP rs140407862, ClinGen allele CA2839266.
Genomic context (GRCh38, chr4:6,301,015, plus strand): 5'-ACCTGGATGTGGAGCAGGCCGAGGTCAACTTCGGCTGGAACCACCTGGAGCCCTATGCCC[A>G]TTTCCTGCTCTCTGTCTTCTTCGTCATCTTCTCCTTCCCCATCGCCAGCAAGGACTGCAT-3'
Protein context (NP_005996.2, residues 397-417): FGWNHLEPYA[His407Arg]FLLSVFFVIF